The following is an entry in ClinVar:

ClinVar aggregate classification (germline): Uncertain significance (1 of 4 stars; one submission).

Conditions:
Progressive sclerosing poliodystrophy (MTDPS4A). Also called: ALPERS PROGRESSIVE INFANTILE POLIODYSTROPHY; NEURONAL DEGENERATION OF CHILDHOOD WITH LIVER DISEASE, PROGRESSIVE; Alpers Syndrome; ALPERS DIFFUSE DEGENERATION OF CEREBRAL GRAY MATTER WITH HEPATIC CIRRHOSIS; Alpers-Huttenlocher Syndrome; Mitochondrial DNA Depletion Syndrome 4A. Identifiers: Orphanet 726, MedGen C0205710, MONDO:0008758, OMIM 203700.

Submission:

Labcorp Genetics (formerly Invitae), Labcorp
Classification: Uncertain significance for Progressive sclerosing poliodystrophy. Last evaluated: 2022-12-31. Review status: criteria provided, single submitter. Criteria: Invitae Variant Classification Sherloc (09022015). Collection method: clinical testing. Allele origin: germline.
Comment: In summary, the available evidence is currently insufficient to determine the role of this variant in disease. Therefore, it has been classified as a Variant of Uncertain Significance. Algorithms developed to predict the effect of sequence changes on RNA splicing suggest that this variant may disrupt the consensus splice site. This variant has not been reported in the literature in individuals affected with POLG-related conditions. This variant is not present in population databases (gnomAD no frequency). This variant, c.3103_3104+1dup, results in the insertion of 1 amino acid(s) of the POLG protein (p.Lys1035dup), but otherwise preserves the integrity of the reading frame.

NM_002693.3(POLG):c.3103_3104+1dup

Gene: POLG (DNA polymerase gamma, catalytic subunit; minus strand). Cytogenetic location: 15q26.1.
Variant type: Duplication.
Coding change: c.3103_3104+1dup on transcript NM_002693.3 (MANE Select); coding-DNA position 3103 through the canonical splice donor site of the intron after coding-DNA position 3104, 3 bases duplicated (AAG; older notation c.3103_3104+1dupAAG).
Molecular consequence: splice donor variant.
Genome position (GRCh38, 1-based): chr15:89,319,227-89,319,229, CTT duplicated on the plus strand (AAG on the coding strand, the reverse complement: POLG is on the minus strand); duplicating any 3 consecutive bases within chr15:89,319,227-89,319,230 gives the same sequence; the c. name uses the placement nearest the transcript's 3' end. VCF-style (leftmost placement, unchanged base first): chr15-89319226-A-ACTT. GRCh37 (hg19) VCF-style: chr15-89862457-A-ACTT.
Other names: c.3103_3104+1dup (NM_001126131.2).
Identifiers: ClinVar variation 2825502 (VCV002825502.3), dbSNP rs2509209807, ClinGen allele CA2739269670.
Genomic context (GRCh38, chr15:89,319,226, plus strand): 5'-CAAGCTCTTCTGGGGCAAGCCCAGACCCCTCCCTCCATCCTTAACACAAAGAAGGTTCTT[A>ACTT]CTTCCTTGCAGTTTCTCTCTGGACCTTGCGCAGATCCTGCAGGGAAATCCAGCCACCCTC-3'